The following is an entry in ClinVar:

ClinVar aggregate classification (germline): Uncertain significance. Review status: criteria provided, multiple submitters, no conflicts (2 of 4 stars). 2 submissions from 2 submitters: Uncertain significance (2). Last evaluated 2025-04-19.

Conditions:
Hereditary cancer-predisposing syndrome. Also called: Hereditary neoplastic syndrome; Neoplastic Syndromes, Hereditary; Tumor predisposition; Hereditary Cancer Syndrome. Identifiers: Orphanet 140162, MedGen C0027672, MeSH D009386, MONDO:0015356.
Tuberous sclerosis 1 (TSC1). Identifiers: Orphanet 805, MedGen C1854465, MONDO:0008612, OMIM 191100.

Submissions (2):

Ambry Genetics
Classification: Uncertain significance for Hereditary cancer-predisposing syndrome. Last evaluated: 2025-04-19. Review status: criteria provided, single submitter. Criteria: Ambry Variant Classification Scheme 2023. Collection method: clinical testing. Allele origin: germline.
Comment: The p.R316L variant (also known as c.947G>T), located in coding exon 8 of the TSC1 gene, results from a G to T substitution at nucleotide position 947. The arginine at codon 316 is replaced by leucine, an amino acid with dissimilar properties. This amino acid position is conserved. In addition, this alteration is predicted to be deleterious by in silico analysis. Based on the available evidence, the clinical significance of this variant remains unclear.

Labcorp Genetics (formerly Invitae), Labcorp
Classification: Uncertain significance for Tuberous sclerosis 1. Last evaluated: 2022-01-28. Review status: criteria provided, single submitter. Criteria: Invitae Variant Classification Sherloc (09022015). Collection method: clinical testing. Allele origin: germline.
Comment: This sequence change replaces arginine, which is basic and polar, with leucine, which is neutral and non-polar, at codon 316 of the TSC1 protein (p.Arg316Leu). This variant is not present in population databases (gnomAD no frequency). This variant has not been reported in the literature in individuals affected with TSC1-related conditions. ClinVar contains an entry for this variant (Variation ID: 1002179). Algorithms developed to predict the effect of missense changes on protein structure and function (SIFT, PolyPhen-2, Align-GVGD) all suggest that this variant is likely to be tolerated. In summary, the available evidence is currently insufficient to determine the role of this variant in disease. Therefore, it has been classified as a Variant of Uncertain Significance.

NM_000368.5(TSC1):c.947G>T (p.Arg316Leu)

Gene: TSC1 (TSC complex subunit 1; minus strand). Cytogenetic location: 9q34.13.
Variant type: single nucleotide variant.
Coding change: c.947G>T on transcript NM_000368.5 (MANE Select); coding-DNA position 947, G replaced by T.
Protein change: p.Arg316Leu; replaces arginine 316 with leucine.
Molecular consequence: missense variant.
Genome position (GRCh38, 1-based): chr9:132,911,535, C>A on the plus strand (G>T on the coding strand, the complement: TSC1 is on the minus strand). VCF-style: chr9-132911535-C-A. GRCh37 (hg19) VCF-style: chr9-135786922-C-A.
Other names: c.947G>T (NM_000368.4); c.947G>T, p.Arg316Leu (NM_001162426.2); c.794G>T, p.Arg265Leu (NM_001162427.2); c.584G>T, p.Arg195Leu (NM_001362177.2); short protein forms R195L, R265L, R316L.
Identifiers: ClinVar variation 1002179 (VCV001002179.9), dbSNP rs375956049, ClinGen allele CA375368701.